The following is an entry in ClinVar:

ClinVar aggregate classification (germline): Benign/Likely benign. Review status: criteria provided, multiple submitters, no conflicts (2 of 4 stars). 11 submissions from 11 submitters: Benign (8); Likely benign (2). 1 of the submissions does not count toward it. Last evaluated 2026-02-04.

Conditions:
Hermansky-Pudlak syndrome (HPS). Also called: ALBINISM WITH HEMORRHAGIC DIATHESIS AND PIGMENTED RETICULOENDOTHELIAL CELLS. Identifiers: Orphanet 79430, MedGen C0079504, MONDO:0019312.
Hermansky-Pudlak syndrome 1 (HPS1). Also called: DELTA STORAGE POOL DISEASE. Identifiers: Orphanet 231500, Orphanet 79430, MedGen C2931875, MONDO:0008748, OMIM 203300.

Allele frequency attached by ClinVar (database versions not stated): gnomAD exomes 0.09989; ESP Exome Variant Server 0.10318; TOPMed 0.10680; 1000 Genomes Project 30x 0.12024; 1000 Genomes Project 0.12340; ExAC 0.09906.

Submissions (11):

Labcorp Genetics (formerly Invitae), Labcorp
Classification: Benign. Last evaluated: 2026-02-04. Review status: criteria provided, single submitter. Criteria: Invitae Variant Classification Sherloc (09022015). Collection method: clinical testing. Allele origin: germline.

Women's Health and Genetics/Laboratory Corporation of America, LabCorp
Classification: Likely benign. Last evaluated: 2025-02-09. Review status: criteria provided, single submitter. Criteria: LabCorp Variant Classification Summary - May 2015. Collection method: clinical testing. Allele origin: germline.

Blueprint Genetics
Classification: Likely benign. Last evaluated: 2024-11-27. Review status: criteria provided, single submitter. Criteria: ACMG Guidelines, 2015. Collection method: clinical testing. Allele origin: germline.

Mayo Clinic Laboratories, Mayo Clinic
Classification: Benign. Last evaluated: 2022-09-29. Review status: criteria provided, single submitter. Criteria: ACMG Guidelines, 2015. Collection method: clinical testing. Allele origin: germline. Observed: 105 variant alleles.

Genome-Nilou Lab
Classification: Benign for Hermansky-Pudlak syndrome 1. Last evaluated: 2021-07-10. Review status: criteria provided, single submitter. Criteria: ACMG Guidelines, 2015. Collection method: clinical testing. Allele origin: germline. Affected: no.

GeneDx
Classification: Benign. Last evaluated: 2019-07-25. Review status: criteria provided, single submitter. Criteria: GeneDx Variant Classification Process June 2021. Collection method: clinical testing. Allele origin: germline. Affected: yes.

Illumina Laboratory Services, Illumina
Classification: Benign for Hermansky-Pudlak syndrome 1. Last evaluated: 2018-01-13. Review status: criteria provided, single submitter. Criteria: ICSL Variant Classification Criteria 13 December 2019. Collection method: clinical testing. Allele origin: germline.
Comment: This variant was observed in the ICSL laboratory as part of a predisposition screen in an ostensibly healthy population. It had not been previously curated by ICSL or reported in the Human Gene Mutation Database (HGMD: prior to June 1st, 2018), and was therefore a candidate for classification through an automated scoring system. Utilizing variant allele frequency, disease prevalence and penetrance estimates, and inheritance mode, an automated score was calculated to assess if this variant is too frequent to cause the disease. Based on the score and internal cut-off values, a variant classified as benign is not then subjected to further curation. The score for this variant resulted in a classification of benign for this disease.

Laboratory for Molecular Medicine, Mass General Brigham Personalized Medicine
Classification: Benign. Last evaluated: 2013-02-21. Review status: criteria provided, single submitter. Criteria: LMM Criteria. Collection method: clinical testing. Allele origin: germline. Observed: 18 variant alleles.
Comment: Gln603Arg in exon 18 of HPS1: This variant is not expected to have clinical sign ificance because it has been identified in 13.9% (614/4406) of African American chromosomes from a broad population by the NHLBI Exome Sequencing Project (dbSNP rs2296436).

Breakthrough Genomics
Classification: Benign. Review status: criteria provided, single submitter. Criteria: ACMG Guidelines, 2015. Collection method: not provided. Allele origin: germline. Inheritance: Autosomal recessive inheritance. Affected: yes.

PreventionGenetics, part of Exact Sciences
Classification: Benign. Review status: criteria provided, single submitter. Criteria: ACMG Guidelines, 2015. Collection method: clinical testing. Allele origin: germline.

Natera, Inc.
Classification: Benign for Hermansky-Pudlak syndrome. Last evaluated: 2020-09-16. Review status: no assertion criteria provided. Collection method: clinical testing. Allele origin: germline. Not counted in ClinVar's aggregate classification.

NM_000195.5(HPS1):c.1808A>G (p.Gln603Arg)

Gene: HPS1 (HPS1 biogenesis of lysosomal organelles complex 3 subunit 1; minus strand). Cytogenetic location: 10q24.2.
Variant type: single nucleotide variant.
Coding change: c.1808A>G on transcript NM_000195.5 (MANE Select); coding-DNA position 1808, A replaced by G.
Protein change: p.Gln603Arg; replaces glutamine 603 with arginine.
Molecular consequence: missense variant.
Genome position (GRCh38, 1-based): chr10:98,420,094, T>C on the plus strand (A>G on the coding strand, the complement: HPS1 is on the minus strand). VCF-style: chr10-98420094-T-C. GRCh37 (hg19) VCF-style: chr10-100179851-T-C.
Other names: c.836A>G, p.Gln279Arg (NM_001311345.2, NM_001322487.2, NM_001322489.2); c.1808A>G, p.Gln603Arg (NM_001322476.2, NM_001322477.2); c.1709A>G, p.Gln570Arg (NM_001322478.2, NM_001322479.2); c.1547A>G, p.Gln516Arg (NM_001322480.2, NM_001322481.2); c.1448A>G, p.Gln483Arg (NM_001322482.2); c.1439A>G, p.Gln480Arg (NM_001322483.2, NM_001322484.2); c.1340A>G, p.Gln447Arg (NM_001322485.2); short protein forms Q603R, Q483R, Q516R, Q570R, Q279R, Q447R, Q480R.
Identifiers: ClinVar variation 21099 (VCV000021099.25), dbSNP rs2296436, ClinGen allele CA176284.